The following is an entry in ClinVar:

ClinVar aggregate classification (germline): Pathogenic. Review status: reviewed by expert panel (3 of 4 stars). 2 submissions from 2 submitters: Pathogenic (1). 1 of the submissions does not count toward it. Last evaluated 2016-10-18.

Conditions:
Breast-ovarian cancer, familial, susceptibility to, 1 (BROVCA1). Also called: BRCA1 Hereditary Breast and Ovarian Cancer; OVARIAN CANCER, SUSCEPTIBILITY TO. Identifiers: Orphanet 145, MedGen C2676676, MONDO:0011450, OMIM 604370. Disease mechanism: loss of function.

Submissions (2):

Evidence-based Network for the Interpretation of Germline Mutant Alleles (ENIGMA)
Classification: Pathogenic for Breast-ovarian cancer, familial, susceptibility to, 1. Last evaluated: 2016-10-18. Review status: reviewed by expert panel. Criteria: ENIGMA BRCA1/2 Classification Criteria (2015). Collection method: curation. Allele origin: germline.
Comment: Variant allele predicted to encode a truncated non-functional protein.

Consortium of Investigators of Modifiers of BRCA1/2 (CIMBA), c/o University of Cambridge
Classification: Pathogenic for Breast-ovarian cancer, familial, susceptibility to, 1. Last evaluated: 2015-10-02. Review status: criteria provided, single submitter. Criteria: CIMBA Mutation Classification guidelines May 2016. Collection method: clinical testing. Allele origin: germline. Not counted in ClinVar's aggregate classification.

NM_007294.4(BRCA1):c.1885del (p.Arg629fs)

Gene: BRCA1 (BRCA1 DNA repair associated; minus strand). Cytogenetic location: 17q21.31.
Variant type: Deletion.
Coding change: c.1885del on transcript NM_007294.4 (MANE Select); coding-DNA position 1885, one base deleted (A; older notation c.1885delA).
Protein change: p.Arg629fs; shifts the reading frame from arginine 629.
Molecular consequence: frameshift variant. On other transcripts: intron variant (137).
Genome position (GRCh38, 1-based): chr17:43,093,646, T deleted on the plus strand (A on the coding strand, the reverse complement: BRCA1 is on the minus strand). VCF-style (leftmost placement, unchanged base first): chr17-43093645-CT-C. GRCh37 (hg19) VCF-style: chr17-41245662-CT-C.
Other names: 2004delA-ter629; c.646+1098del (NM_001408458.1, NM_001408469.1, NM_001408453.1 and 11 more transcripts); c.283+1098del (NM_001408512.1); c.406+1098del (NM_001408510.1); c.643+1098del (NM_001408470.1, NM_001408464.1, NM_001408468.1 and 3 more transcripts); c.784+1098del (NM_001408397.1, NM_001408401.1, NM_001408396.1 and 13 more transcripts); c.664+1098del (NM_001408436.1, NM_001408444.1, NM_001408438.1 and 12 more transcripts); c.787+1098del (NM_001407980.1, NM_001407993.1, NM_001407976.1 and 19 more transcripts); and 42 more; short protein forms R582fs, R629fs, R461fs, R501fs, R559fs, R561fs, R562fs, R518fs.
Identifiers: ClinVar variation 266196 (VCV000266196.6), dbSNP rs886039976, ClinGen allele CA10589913.